The following is an entry in ClinVar:

NM_001282933.2(ZNF341):c.826C>A (p.Pro276Thr)

Gene: ZNF341 (zinc finger protein 341; plus strand). Cytogenetic location: 20q11.22.
Variant type: single nucleotide variant.
Coding change: c.826C>A on transcript NM_001282933.2 (MANE Select); coding-DNA position 826, C replaced by A.
Protein change: p.Pro276Thr; replaces proline 276 with threonine.
Molecular consequence: missense variant. On other transcripts: non-coding transcript variant (1).
Genome position (GRCh38, 1-based): chr20:33,757,232, C>A. VCF-style: chr20-33757232-C-A. GRCh37 (hg19) VCF-style: chr20-32345038-C-A.
Other names: c.556C>A, p.Pro186Thr (NM_001282935.2); c.826C>A, p.Pro276Thr (NM_032819.5); short protein forms P186T, P276T.
Identifiers: ClinVar variation 2419329 (VCV002419329.6), dbSNP rs779465358, ClinGen allele CA9819277.

ClinVar aggregate classification (germline): Uncertain significance (1 of 4 stars; one submission).

Allele frequency attached by ClinVar (database versions not stated): gnomAD 0.00001; ExAC 0.00007.
gnomAD v4.1: 32 of 1,602,888 alleles (0.002%); highest among the groups gnomAD compares: South Asian, 0.034%; no homozygotes.

Submission:

Labcorp Genetics (formerly Invitae), Labcorp
Classification: Uncertain significance. Last evaluated: 2024-10-25. Review status: criteria provided, single submitter. Criteria: Invitae Variant Classification Sherloc (09022015). Collection method: clinical testing. Allele origin: germline.
Comment: This sequence change replaces proline, which is neutral and non-polar, with threonine, which is neutral and polar, at codon 276 of the ZNF341 protein (p.Pro276Thr). This variant is present in population databases (rs779465358, gnomAD 0.04%). This variant has not been reported in the literature in individuals affected with ZNF341-related conditions. ClinVar contains an entry for this variant (Variation ID: 2419329). An algorithm developed to predict the effect of missense changes on protein structure and function (PolyPhen-2) suggests that this variant is likely to be tolerated. In summary, the available evidence is currently insufficient to determine the role of this variant in disease. Therefore, it has been classified as a Variant of Uncertain Significance.